The following is an entry in ClinVar:

ClinVar aggregate classification (germline): Uncertain significance (1 of 4 stars; one submission).

Allele frequency attached by ClinVar (database versions not stated): gnomAD exomes 0.00001; TOPMed 0.00001.
gnomAD v4.1: 11 of 1,614,224 alleles (0.00068%); highest among the groups gnomAD compares: Non-Finnish European, 0.00093%; no homozygotes.

Submission:

Labcorp Genetics (formerly Invitae), Labcorp
Classification: Uncertain significance. Last evaluated: 2024-08-10. Review status: criteria provided, single submitter. Criteria: Invitae Variant Classification Sherloc (09022015). Collection method: clinical testing. Allele origin: germline.
Comment: This sequence change replaces tyrosine, which is neutral and polar, with cysteine, which is neutral and slightly polar, at codon 470 of the STAT4 protein (p.Tyr470Cys). This variant is not present in population databases (gnomAD no frequency). This variant has not been reported in the literature in individuals affected with STAT4-related conditions. ClinVar contains an entry for this variant (Variation ID: 1522790). Advanced modeling of protein sequence and biophysical properties (such as structural, functional, and spatial information, amino acid conservation, physicochemical variation, residue mobility, and thermodynamic stability) performed at Invitae indicates that this missense variant is not expected to disrupt STAT4 protein function with a negative predictive value of 80%. In summary, the available evidence is currently insufficient to determine the role of this variant in disease. Therefore, it has been classified as a Variant of Uncertain Significance.

NM_003151.4(STAT4):c.1409A>G (p.Tyr470Cys)

Gene: STAT4 (signal transducer and activator of transcription 4; minus strand). Cytogenetic location: 2q32.2.
Variant type: single nucleotide variant.
Coding change: c.1409A>G on transcript NM_003151.4 (MANE Select); coding-DNA position 1409, A replaced by G.
Protein change: p.Tyr470Cys; replaces tyrosine 470 with cysteine.
Molecular consequence: missense variant.
Genome position (GRCh38, 1-based): chr2:191,039,224, T>C on the plus strand (A>G on the coding strand, the complement: STAT4 is on the minus strand). VCF-style: chr2-191039224-T-C. GRCh37 (hg19) VCF-style: chr2-191903950-T-C.
Other names: c.1409A>G, p.Tyr470Cys (NM_001243835.2); short protein forms Y470C.
Identifiers: ClinVar variation 1522790 (VCV001522790.6), dbSNP rs1380306157, ClinGen allele CA349910839.